The following is an entry in ClinVar:

NM_000264.5(PTCH1):c.912C>A (p.Cys304Ter)

Gene: PTCH1 (patched 1; minus strand). Cytogenetic location: 9q22.32.
Variant type: single nucleotide variant.
Coding change: c.912C>A on transcript NM_000264.5 (MANE Select); coding-DNA position 912, C replaced by A.
Protein change: p.Cys304Ter; replaces cysteine 304 with a stop codon.
Molecular consequence: nonsense. On other transcripts: non-coding transcript variant (1).
Genome position (GRCh38, 1-based): chr9:95,480,423, G>T on the plus strand (C>A on the coding strand, the complement: PTCH1 is on the minus strand). VCF-style: chr9-95480423-G-T. GRCh37 (hg19) VCF-style: chr9-98242705-G-T.
Other names: c.714C>A, p.Cys238Ter (NM_001083602.3); c.909C>A, p.Cys303Ter (NM_001083603.3); c.459C>A, p.Cys153Ter (NM_001083604.3, NM_001083605.3, NM_001083606.3 and 1 more transcripts); c.912C>A, p.Cys304Ter (NM_001354918.2); short protein forms C153*, C238*, C303*, C304*.
Identifiers: ClinVar variation 1072894 (VCV001072894.7), dbSNP rs2118414186, ClinGen allele CA374113724.

ClinVar aggregate classification (germline): Pathogenic (1 of 4 stars; one submission).

Conditions:
Gorlin syndrome. Also called: Basal cell nevus syndrome; Nevoid Basal Cell Carcinoma Syndrome. Identifiers: Orphanet 377, MedGen C0004779, MONDO:0007187.

Submission:

Labcorp Genetics (formerly Invitae), Labcorp
Classification: Pathogenic for Gorlin syndrome. Last evaluated: 2024-09-05. Review status: criteria provided, single submitter. Criteria: Invitae Variant Classification Sherloc (09022015). Collection method: clinical testing. Allele origin: germline.
Comment: This sequence change creates a premature translational stop signal (p.Cys304*) in the PTCH1 gene. It is expected to result in an absent or disrupted protein product. Loss-of-function variants in PTCH1 are known to be pathogenic (PMID: 16301862, 16419085). This variant is not present in population databases (gnomAD no frequency). This variant has not been reported in the literature in individuals affected with PTCH1-related conditions. ClinVar contains an entry for this variant (Variation ID: 1072894). For these reasons, this variant has been classified as Pathogenic.

Literature cited by the submitters: PubMed 16301862; PubMed 16419085.